The following is an entry in ClinVar:

ClinVar aggregate classification (germline): Uncertain significance (1 of 4 stars; one submission).

Submission:

Labcorp Genetics (formerly Invitae), Labcorp
Classification: Uncertain significance. Last evaluated: 2023-01-28. Review status: criteria provided, single submitter. Criteria: Invitae Variant Classification Sherloc (09022015). Collection method: clinical testing. Allele origin: germline.
Comment: In summary, the available evidence is currently insufficient to determine the role of this variant in disease. Therefore, it has been classified as a Variant of Uncertain Significance. Advanced modeling of protein sequence and biophysical properties (such as structural, functional, and spatial information, amino acid conservation, physicochemical variation, residue mobility, and thermodynamic stability) performed at Invitae indicates that this missense variant is not expected to disrupt COL9A2 protein function. This variant has not been reported in the literature in individuals affected with COL9A2-related conditions. This variant is not present in population databases (gnomAD no frequency). This sequence change replaces proline, which is neutral and non-polar, with serine, which is neutral and polar, at codon 596 of the COL9A2 protein (p.Pro596Ser).

NM_001852.4(COL9A2):c.1786C>T (p.Pro596Ser)

Gene: COL9A2 (collagen type IX alpha 2 chain; minus strand). Cytogenetic location: 1p34.2.
Variant type: single nucleotide variant.
Coding change: c.1786C>T on transcript NM_001852.4 (MANE Select); coding-DNA position 1786, C replaced by T.
Protein change: p.Pro596Ser; replaces proline 596 with serine.
Molecular consequence: missense variant.
Genome position (GRCh38, 1-based): chr1:40,302,627, G>A on the plus strand (C>T on the coding strand, the complement: COL9A2 is on the minus strand). VCF-style: chr1-40302627-G-A. GRCh37 (hg19) VCF-style: chr1-40768299-G-A.
Other names: short protein forms P596S.
Identifiers: ClinVar variation 2832704 (VCV002832704.3), dbSNP rs999789113, ClinGen allele CA339875802.